The following is an entry in ClinVar:

NM_005359.6(SMAD4):c.357T>C (p.Phe119=)

Gene: SMAD4 (SMAD family member 4; plus strand). Cytogenetic location: 18q21.2.
Variant type: single nucleotide variant.
Coding change: c.357T>C on transcript NM_005359.6 (MANE Select); coding-DNA position 357, T replaced by C.
Protein change: p.Phe119=; no amino-acid change (phenylalanine 119 retained).
Molecular consequence: synonymous variant. On other transcripts: non-coding transcript variant (2).
Genome position (GRCh38, 1-based): chr18:51,048,793, T>C. VCF-style: chr18-51048793-T-C. GRCh37 (hg19) VCF-style: chr18-48575163-T-C.
Other names: c.357T>C, p.Phe119= (NM_001407041.1, NM_001407042.1, NM_001407043.1).
Identifiers: ClinVar variation 1732887 (VCV001732887.3), dbSNP rs2511369565, ClinGen allele CA503873598.
Genomic context (GRCh38, chr18:51,048,793, plus strand): 5'-GAGGTGGCCTGATCTTCACAAAAATGAACTAAAACATGTTAAATATTGTCAGTATGCGTT[T>C]GACTTAAAATGTGATAGTGTCTGTGTGAATCCATATCACTACGAACGAGTTGTATCACCT-3'
Protein context (NP_005350.1, residues 109-129): LKHVKYCQYA[Phe119=]DLKCDSVCVN

ClinVar aggregate classification (germline): Benign/Likely benign. Review status: criteria provided, multiple submitters, no conflicts (2 of 4 stars). 2 submissions from 2 submitters: Benign (1); Likely benign (1). Last evaluated 2025-03-18.

Conditions:
Familial thoracic aortic aneurysm and aortic dissection (TAAD). Also called: Thoracic aortic aneurysms and dissections. Identifiers: Orphanet 91387, MedGen C4707243, MONDO:0019625.
Hereditary cancer-predisposing syndrome. Also called: Hereditary neoplastic syndrome; Neoplastic Syndromes, Hereditary; Tumor predisposition; Hereditary Cancer Syndrome. Identifiers: Orphanet 140162, MedGen C0027672, MeSH D009386, MONDO:0015356.
Juvenile polyposis/hereditary hemorrhagic telangiectasia syndrome (JPHT). Also called: JP/HHT SYNDROME; JUVENILE POLYPOSIS WITH HEREDITARY HEMORRHAGIC TELANGIECTASIA; POLYPOSIS, GENERALIZED JUVENILE, WITH PULMONARY ARTERIOVENOUS MALFORMATION; TELANGIECTASIA, HEREDITARY HEMORRHAGIC, WITH JUVENILE POLYPOSIS COLI; Juvenile Polyposis Syndrome / Hereditary Hemorrhagic Telangiectasia (JPS/HHT). Identifiers: Orphanet 2929, MedGen C1832942, MONDO:0008278, OMIM 175050.

Submissions (2):

Myriad Genetics, Inc.
Classification: Benign for Juvenile polyposis/hereditary hemorrhagic telangiectasia syndrome. Last evaluated: 2025-03-18. Review status: criteria provided, single submitter. Criteria: Myriad Autosomal Dominant, Autosomal Recessive and X-Linked Classification Criteria (2023). Collection method: clinical testing. Allele origin: unknown.
Comment: This variant is considered benign. This variant is a silent/synonymous amino acid change and it is not expected to impact splicing.

Ambry Genetics
Classification: Likely benign for Hereditary cancer-predisposing syndrome; Familial thoracic aortic aneurysm and aortic dissection. Last evaluated: 2022-09-04. Review status: criteria provided, single submitter. Criteria: Ambry Variant Classification Scheme 2023. Collection method: clinical testing. Allele origin: germline.